The following is an entry in ClinVar:

ClinVar aggregate classification (germline): Uncertain significance. Review status: criteria provided, multiple submitters, no conflicts (2 of 4 stars). 4 submissions from 4 submitters: Uncertain significance (4). Last evaluated 2026-07-06.

Conditions:
Hereditary cancer-predisposing syndrome. Also called: Hereditary Cancer Syndrome; Tumor predisposition; Hereditary neoplastic syndrome; Neoplastic Syndromes, Hereditary. Identifiers: Orphanet 140162, MedGen C0027672, MeSH D009386, MONDO:0015356.
Hereditary diffuse gastric adenocarcinoma (HDGC). Also called: DIFFUSE GASTRIC AND LOBULAR BREAST CANCER SYNDROME. Identifiers: Orphanet 26106, MedGen C1708349, MONDO:0007648, OMIM 137215.

gnomAD v4.1: 5 of 1,614,126 alleles (0.00031%); highest among the groups gnomAD compares: Non-Finnish European, 0.00042%; no homozygotes.

Submissions (4):

Ambry Genetics
Classification: Uncertain significance for Hereditary cancer-predisposing syndrome. Last evaluated: 2026-07-06. Review status: criteria provided, single submitter. Criteria: Ambry Variant Classification Scheme 2023. Collection method: clinical testing. Allele origin: germline.
Comment: The p.I206V variant (also known as c.616A>G), located in coding exon 5 of the CDH1 gene, results from an A to G substitution at nucleotide position 616. The isoleucine at codon 206 is replaced by valine, an amino acid with highly similar properties. This amino acid position is conserved. In addition, this alteration is predicted to be tolerated by in silico analysis. Based on the available evidence, the clinical significance of this variant remains unclear.

Color Diagnostics, LLC DBA Color Health
Classification: Uncertain significance for Hereditary cancer-predisposing syndrome. Last evaluated: 2024-03-06. Review status: criteria provided, single submitter. Criteria: ACMG Guidelines, 2015. Collection method: clinical testing. Allele origin: germline.
Comment: This missense variant replaces isoleucine with valine at codon 206 of the CDH1 protein. Computational prediction suggests that this variant may not impact protein structure and function (internally defined REVEL score threshold <= 0.5, PMID: 27666373). To our knowledge, functional studies have not been reported for this variant. This variant has not been reported in individuals affected with hereditary cancer in the literature. This variant has not been identified in the general population by the Genome Aggregation Database (gnomAD). The available evidence is insufficient to determine the role of this variant in disease conclusively. Therefore, this variant is classified as a Variant of Uncertain Significance.

Labcorp Genetics (formerly Invitae), Labcorp
Classification: Uncertain significance for Hereditary diffuse gastric adenocarcinoma. Last evaluated: 2022-06-03. Review status: criteria provided, single submitter. Criteria: Invitae Variant Classification Sherloc (09022015). Collection method: clinical testing. Allele origin: germline.
Comment: This sequence change replaces isoleucine, which is neutral and non-polar, with valine, which is neutral and non-polar, at codon 206 of the CDH1 protein (p.Ile206Val). This variant is not present in population databases (gnomAD no frequency). This variant has not been reported in the literature in individuals affected with CDH1-related conditions. ClinVar contains an entry for this variant (Variation ID: 496235). Algorithms developed to predict the effect of missense changes on protein structure and function output the following: SIFT: "Tolerated"; PolyPhen-2: "Benign"; Align-GVGD: "Class C0". The valine amino acid residue is found in multiple mammalian species, which suggests that this missense change does not adversely affect protein function. In summary, the available evidence is currently insufficient to determine the role of this variant in disease. Therefore, it has been classified as a Variant of Uncertain Significance.

Women's Health and Genetics/Laboratory Corporation of America, LabCorp
Classification: Uncertain significance. Last evaluated: 2017-03-30. Review status: criteria provided, single submitter. Criteria: LabCorp Variant Classification Summary - May 2015. Collection method: clinical testing. Allele origin: germline.
Comment: Variant summary: The CDH1 c.616A>G (p.Ile206Val) variant located involves the alteration of a non-conserved nucleotide and 3/3 in silico tools (SNPs&GO and Mutation Taster not captured due to low reliability index and p-value, respectively) predict a benign outcome, although these predictions have yet to be functionally assessed. The variant of interest was not observed in 121192 control chromosomes (ExAC). The variant of interest has not, to our knowledge, been reported in affected individuals via publications and/or reputable databases/clinical diagnostic laboratories. Because of the absence of clinical information and the lack of functional studies, the variant is classified as a "Variant of Uncertain Significance (VUS)," until additional information becomes available.

NM_004360.5(CDH1):c.616A>G (p.Ile206Val)

Gene: CDH1 (cadherin 1; plus strand). Cytogenetic location: 16q22.1.
Variant type: single nucleotide variant.
Coding change: c.616A>G on transcript NM_004360.5 (MANE Select); coding-DNA position 616, A replaced by G.
Protein change: p.Ile206Val; replaces isoleucine 206 with valine.
Molecular consequence: missense variant. On other transcripts: 5 prime UTR variant (2).
Genome position (GRCh38, 1-based): chr16:68,808,777, A>G. VCF-style: chr16-68808777-A-G. GRCh37 (hg19) VCF-style: chr16-68842680-A-G.
Other names: c.616A>G (LRG_301t1); c.616A>G, p.Ile206Val (NM_001317184.2); c.-1000A>G (NM_001317185.2); c.-1204A>G (NM_001317186.2); short protein forms I206V.
Identifiers: ClinVar variation 496235 (VCV000496235.13), dbSNP rs1004655282, ClinGen allele CA396458016.